The following is an entry in ClinVar:

ClinVar aggregate classification (germline): Benign/Likely benign. Review status: criteria provided, multiple submitters, no conflicts (2 of 4 stars). 3 submissions from 3 submitters: Benign (1); Likely benign (2). Last evaluated 2025-09-02.

Conditions:
Familial adenomatous polyposis 1 (FAP1). Also called: POLYPOSIS, ADENOMATOUS INTESTINAL; FAMILIAL ADENOMATOUS POLYPOSIS 1, ATTENUATED. Identifiers: MedGen C2713442, MONDO:0021056, OMIM 175100. Disease mechanism: loss of function.
Hereditary cancer-predisposing syndrome. Also called: Tumor predisposition; Hereditary neoplastic syndrome; Hereditary Cancer Syndrome; Neoplastic Syndromes, Hereditary. Identifiers: Orphanet 140162, MedGen C0027672, MeSH D009386, MONDO:0015356.

Submissions (3):

Labcorp Genetics (formerly Invitae), Labcorp
Classification: Likely benign for Familial adenomatous polyposis 1. Last evaluated: 2025-09-02. Review status: criteria provided, single submitter. Criteria: Invitae Variant Classification Sherloc (09022015). Collection method: clinical testing. Allele origin: germline.

Ambry Genetics
Classification: Likely benign for Hereditary cancer-predisposing syndrome. Last evaluated: 2025-08-04. Review status: criteria provided, single submitter. Criteria: Ambry Variant Classification Scheme 2023. Collection method: clinical testing. Allele origin: germline.

Myriad Genetics, Inc.
Classification: Benign for Familial adenomatous polyposis 1. Last evaluated: 2024-02-23. Review status: criteria provided, single submitter. Criteria: Myriad Autosomal Dominant, Autosomal Recessive and X-Linked Classification Criteria (2023). Collection method: clinical testing. Allele origin: unknown.
Comment: This variant is considered benign. This variant is a silent/synonymous amino acid change and it is not expected to impact splicing.

NM_000038.6(APC):c.492T>C (p.Asn164=)

Gene: APC (APC regulator of Wnt signaling pathway; plus strand). Cytogenetic location: 5q22.2.
Variant type: single nucleotide variant.
Coding change: c.492T>C on transcript NM_000038.6 (MANE Select); coding-DNA position 492, T replaced by C.
Protein change: p.Asn164=; no amino-acid change (asparagine 164 retained).
Molecular consequence: synonymous variant. On other transcripts: 5 prime UTR variant (1).
Genome position (GRCh38, 1-based): chr5:112,775,698, T>C. VCF-style: chr5-112775698-T-C. GRCh37 (hg19) VCF-style: chr5-112111395-T-C.
Other names: c.492T>C (NM_000038.5); c.492T>C, p.Asn164= (NM_001127510.3, NM_001354895.2, NM_001354896.2 and 2 more transcripts); c.522T>C, p.Asn174= (NM_001127511.3, NM_001354897.2, NM_001354902.2); c.417T>C, p.Asn139= (NM_001354898.2, NM_001354904.2); c.315T>C, p.Asn105= (NM_001354900.2, NM_001354901.2, NM_001354905.2); c.-544T>C (NM_001354906.2).
Identifiers: ClinVar variation 1098223 (VCV001098223.12), dbSNP rs1051740996, ClinGen allele CA124932125.